The following is an entry in ClinVar:

ClinVar aggregate classification (germline): Conflicting classifications of pathogenicity. Review status: criteria provided, conflicting classifications (1 of 4 stars). 5 submissions from 5 submitters: Uncertain significance (3); Likely benign (2). Last evaluated 2025-12-29.

Conditions:
Cardiovascular phenotype. Identifiers: MedGen CN230736.
Alstrom syndrome (ALMS). Identifiers: Orphanet 64, MedGen C0268425, MONDO:0008763, OMIM 203800.

Allele frequency attached by ClinVar (database versions not stated): ExAC 0.00009; gnomAD exomes 0.00011; gnomAD 0.00005 and 0.00006; TOPMed 0.00006; ESP Exome Variant Server 0.00008.
gnomAD v4.1: 75 of 1,610,246 alleles (0.0047%); highest among the groups gnomAD compares: Non-Finnish European, 0.00068%; no homozygotes.

Submissions (5):

Labcorp Genetics (formerly Invitae), Labcorp
Classification: Likely benign for Alstrom syndrome. Last evaluated: 2025-12-29. Review status: criteria provided, single submitter. Criteria: Invitae Variant Classification Sherloc (09022015). Collection method: clinical testing. Allele origin: germline.

Blueprint Genetics
Classification: Uncertain significance. Last evaluated: 2023-11-23. Review status: criteria provided, single submitter. Criteria: ACMG Guidelines, 2015. Collection method: clinical testing. Allele origin: germline.

Ambry Genetics
Classification: Likely benign for Cardiovascular phenotype. Last evaluated: 2023-05-23. Review status: criteria provided, single submitter. Criteria: Ambry Variant Classification Scheme 2023. Collection method: clinical testing. Allele origin: germline.

Women's Health and Genetics/Laboratory Corporation of America, LabCorp
Classification: Uncertain significance. Last evaluated: 2021-03-15. Review status: criteria provided, single submitter. Criteria: LabCorp Variant Classification Summary - May 2015. Collection method: clinical testing. Allele origin: germline.
Comment: Variant summary: ALMS1 c.1548C>G (p.Asp516Glu), also known as c.1551C>G (p.Asp517Glu) results in a conservative amino acid change in the encoded protein sequence. Five of five in-silico tools predict a benign effect of the variant on protein function. The variant allele was found at a frequency of 0.00011 in 249080 control chromosomes. This frequency is not significantly higher than expected for a pathogenic variant in ALMS1 causing Alstrom Syndrome With Dilated Cardiomyopathy (0.00011 vs 0.0018), allowing no conclusion about variant significance. To our knowledge, no occurrence of c.1548C>G in individuals affected with Alstrom Syndrome With Dilated Cardiomyopathy and no experimental evidence demonstrating its impact on protein function have been reported. Two clinical diagnostic laboratories have submitted clinical-significance assessments for this variant to ClinVar after 2014 without evidence for independent evaluation. One laboratory classified the variant as likely benign and one laboratory classified the variant as uncertain significance. Based on the evidence outlined above, the variant was classified as VUS-possibly benign.

GeneDx
Classification: Uncertain significance. Last evaluated: 2016-10-27. Review status: criteria provided, single submitter. Criteria: GeneDx Variant Classification (06012015). Collection method: clinical testing. Allele origin: germline. Affected: yes.
Comment: A variant of uncertain significance has been identified in the ALMS1 gene. The D517E variant has not been published as a pathogenic variant, nor has it been reported as a benign variant to our knowledge. This variant was not observed in approximately 6,100 individuals of European and African American ancestry in the NHLBI Exome Sequencing Project, indicating it is not a common benign variant in these populations. However, the D517E variant is a conservative amino acid substitution, which is not likely to impact secondary protein structure as these residues share similar properties. This substitution occurs at a position that is not conserved across species and where Glutamic acid is the wild type in the kangaroo rat. In silico analysis suggests this variant likely does not alter the protein structure/function.

NM_001378454.1(ALMS1):c.1548C>G (p.Asp516Glu)

Gene: ALMS1 (ALMS1 centrosome and basal body associated protein; plus strand). Cytogenetic location: 2p13.1.
Variant type: single nucleotide variant.
Coding change: c.1548C>G on transcript NM_001378454.1 (MANE Select); coding-DNA position 1548, C replaced by G.
Protein change: p.Asp516Glu; replaces aspartic acid 516 with glutamic acid.
Molecular consequence: missense variant.
Genome position (GRCh38, 1-based): chr2:73,448,075, C>G. VCF-style: chr2-73448075-C-G. GRCh37 (hg19) VCF-style: chr2-73675205-C-G.
Other names: c.1551C>G, p.Asp517Glu (NM_015120.4); short protein forms D517E, D516E.
Identifiers: ClinVar variation 390294 (VCV000390294.16), dbSNP rs202002052, ClinGen allele CA1713191.